The following is an entry in ClinVar:

ClinVar aggregate classification (germline): Pathogenic. Review status: criteria provided, multiple submitters, no conflicts (2 of 4 stars). 3 submissions from 3 submitters: Pathogenic (3). Last evaluated 2022-09-20.

Conditions:
Hereditary cancer-predisposing syndrome. Also called: Neoplastic Syndromes, Hereditary; Hereditary Cancer Syndrome; Hereditary neoplastic syndrome; Tumor predisposition. Identifiers: Orphanet 140162, MedGen C0027672, MeSH D009386, MONDO:0015356.
DICER1-related tumor predisposition. Also called: DICER1-related pleuropulmonary blastoma cancer predisposition syndrome; DICER1 syndrome. Identifiers: Orphanet 284343, MedGen C3839822, MONDO:0100216.

Submissions (3):

Labcorp Genetics (formerly Invitae), Labcorp
Classification: Pathogenic for DICER1-related tumor predisposition. Last evaluated: 2022-09-20. Review status: criteria provided, single submitter. Criteria: Invitae Variant Classification Sherloc (09022015). Collection method: clinical testing. Allele origin: germline.
Comment: This variant is not present in population databases (gnomAD no frequency). This premature translational stop signal has been observed in individual(s) with DICER1-related conditions (PMID: 21266384). ClinVar contains an entry for this variant (Variation ID: 823956). For these reasons, this variant has been classified as Pathogenic. This sequence change creates a premature translational stop signal (p.Asp1195Leufs*39) in the DICER1 gene. It is expected to result in an absent or disrupted protein product. Loss-of-function variants in DICER1 are known to be pathogenic (PMID: 19556464, 21266384).

Ambry Genetics
Classification: Pathogenic for Hereditary cancer-predisposing syndrome. Last evaluated: 2022-05-26. Review status: criteria provided, single submitter. Criteria: Ambry Variant Classification Scheme 2023. Collection method: clinical testing. Allele origin: germline.
Comment: The c.3583_3584delGA pathogenic mutation, located in coding exon 20 of the DICER1 gene, results from a deletion of two nucleotides at nucleotide positions 3583 to 3584, causing a translational frameshift with a predicted alternate stop codon (p.D1195Lfs*39). Of note, this alteration is also designated c.3579_3580delCA in some of the published literature. In addition to the clinical data presented in the literature, this alteration is expected to result in loss of function by premature protein truncation or nonsense-mediated mRNA decay. As such, this alteration is interpreted as a disease-causing mutation.

Foulkes Cancer Genetics LDI, Lady Davis Institute for Medical Research
Classification: Pathogenic for Pleuropulmonary blastoma. Last evaluated: 2019-07-01. Review status: criteria provided, single submitter. Criteria: ACMG Guidelines, 2015. Collection method: curation. Allele origin: germline. Affected: yes. Observed: 1 variant allele.
Comment: ACMG criteria met: PVS1, PM2, PP4

Literature cited by the submitters: PubMed 21266384 (cited by 3 submitters); PubMed 19556464 (cited by Labcorp Genetics (formerly Invitae), Labcorp); PubMed 24617712 (cited by Ambry Genetics).

NM_177438.3(DICER1):c.3583_3584del (p.Asp1195fs)

Gene: DICER1 (dicer 1, ribonuclease III; minus strand). Cytogenetic location: 14q32.13.
Variant type: Microsatellite.
Coding change: c.3583_3584del on transcript NM_177438.3 (MANE Select); coding-DNA positions 3583 to 3584, 2 bases deleted (GA; older notation c.3583_3584delGA).
Protein change: p.Asp1195fs; shifts the reading frame from aspartic acid 1195.
Molecular consequence: frameshift variant.
Genome position (GRCh38, 1-based): chr14:95,103,812-95,103,813, TC deleted on the plus strand (GA on the coding strand, the reverse complement: DICER1 is on the minus strand); deleting any 2 consecutive bases within chr14:95,103,812-95,103,816 gives the same sequence; the c. name uses the placement nearest the transcript's 3' end. VCF-style (leftmost placement, unchanged base first): chr14-95103811-GTC-G. GRCh37 (hg19) VCF-style: chr14-95570148-GTC-G.
Other names: c.3583_3584del, p.Asp1195fs (NM_001195573.1, NM_001271282.3, NM_001291628.2 and 1 more transcripts); short protein forms D1195fs.
Identifiers: ClinVar variation 823956 (VCV000823956.12), dbSNP rs1595365941, ClinGen allele CA915946373.